The following is an entry in ClinVar:

ClinVar aggregate classification (germline): Uncertain significance. Review status: criteria provided, multiple submitters, no conflicts (2 of 4 stars). 3 submissions from 3 submitters: Uncertain significance (3). Last evaluated 2024-09-05.

Conditions:
Immunodeficiency, common variable, 7. Identifiers: Orphanet 1572, Orphanet 696894, MedGen C3542922, MONDO:0013862, OMIM 614699.

Allele frequency attached by ClinVar (database versions not stated): gnomAD 0.00001 and 0.00003; TOPMed 0.00003; ESP Exome Variant Server 0.00008; gnomAD exomes 0.00019; ExAC 0.00021.
gnomAD v4.1: 125 of 1,613,868 alleles (0.0077%); highest among the groups gnomAD compares: South Asian, 0.12%; 1 homozygote.

Submissions (3):

Blueprint Genetics
Classification: Uncertain significance. Last evaluated: 2024-09-05. Review status: criteria provided, single submitter. Criteria: ACMG Guidelines, 2015. Collection method: clinical testing. Allele origin: germline.

Labcorp Genetics (formerly Invitae), Labcorp
Classification: Uncertain significance for Immunodeficiency, common variable, 7. Last evaluated: 2024-01-29. Review status: criteria provided, single submitter. Criteria: Invitae Variant Classification Sherloc (09022015). Collection method: clinical testing. Allele origin: germline.
Comment: This sequence change replaces arginine, which is basic and polar, with cysteine, which is neutral and slightly polar, at codon 428 of the CR2 protein (p.Arg428Cys). This variant is present in population databases (rs373176986, gnomAD 0.1%). This variant has not been reported in the literature in individuals affected with CR2-related conditions. ClinVar contains an entry for this variant (Variation ID: 1042405). An algorithm developed to predict the effect of missense changes on protein structure and function (PolyPhen-2) suggests that this variant is likely to be disruptive. Algorithms developed to predict the effect of sequence changes on RNA splicing suggest that this variant may disrupt the consensus splice site. In summary, the available evidence is currently insufficient to determine the role of this variant in disease. Therefore, it has been classified as a Variant of Uncertain Significance.

Neuberg Centre For Genomic Medicine, NCGM
Classification: Uncertain significance for Immunodeficiency, common variable, 7. Review status: criteria provided, single submitter. Criteria: ACMG Guidelines, 2015. Collection method: clinical testing. Allele origin: germline. Inheritance: Autosomal recessive inheritance. Affected: yes.
Comment: The missense variant c.1282C>T (p.Arg428Cys) in CR2 gene has not been reported previously as a pathogenic variant nor as abenign variant, to our knowledge. The variant has 0.02% allele frequency in gnomAD Exomes and is novel (not in any individuals) in1000 Genomes. This variant has been reported to the ClinVar database as Uncertain Significance. The amino acid Arginine atposition 428 is changed to a Cysteine changing protein sequence and it might alter its composition and physico-chemicalproperties. The variant is predicted to de damaging by SIFT. The amino acid change p.Arg428Cys in CR2 is predicted as conservedby GERP++ and PhyloP across 100 vertebrates. For these reasons, this variant has been classified as Uncertain Significance (VUS).

NM_001006658.3(CR2):c.1282C>T (p.Arg428Cys)

Gene: CR2 (complement C3d receptor 2; plus strand). Cytogenetic location: 1q32.2.
Variant type: single nucleotide variant.
Coding change: c.1282C>T on transcript NM_001006658.3 (MANE Select); coding-DNA position 1282, C replaced by T.
Protein change: p.Arg428Cys; replaces arginine 428 with cysteine.
Molecular consequence: missense variant.
Genome position (GRCh38, 1-based): chr1:207,470,796, C>T. VCF-style: chr1-207470796-C-T. GRCh37 (hg19) VCF-style: chr1-207644141-C-T.
Other names: c.1282C>T, p.Arg428Cys (NM_001877.5); short protein forms R428C.
Identifiers: ClinVar variation 1042405 (VCV001042405.8), dbSNP rs373176986, ClinGen allele CA1368680.